The following is an entry in ClinVar:

NM_153252.5(BRWD3):c.*5264G>T

Gene: BRWD3 (bromodomain and WD repeat domain containing 3; minus strand). Cytogenetic location: Xq21.1.
Variant type: single nucleotide variant.
Coding change: c.*5264G>T on transcript NM_153252.5 (MANE Select); 5264 bases downstream of the stop codon, G replaced by T.
Molecular consequence: 3 prime UTR variant.
Genome position (GRCh38, 1-based): chrX:80,671,345, C>A on the plus strand (G>T on the coding strand, the complement: BRWD3 is on the minus strand). VCF-style: chrX-80671345-C-A. GRCh37 (hg19) VCF-style: chrX-79926844-C-A.
Identifiers: ClinVar variation 368693 (VCV000368693.5), dbSNP rs760065405, ClinGen allele CA10654068.

ClinVar aggregate classification (germline): Benign (1 of 4 stars; one submission).

Conditions:
Intellectual developmental disorder, X-linked 93. Also called: MENTAL RETARDATION, X-LINKED, WITH MACROCEPHALY; Intellectual disability, X-linked 93. Identifiers: MedGen C1970841, MONDO:0010393, OMIM 300659.

Allele frequency attached by ClinVar (database versions not stated): 1000 Genomes Project 30x 0.00104; TOPMed 0.00088; gnomAD 0.00100 and 0.00087; 1000 Genomes Project 0.00132.

Submission:

Illumina Laboratory Services, Illumina
Classification: Benign for Intellectual developmental disorder, X-linked 93. Last evaluated: 2018-01-13. Review status: criteria provided, single submitter. Criteria: ICSL Variant Classification Criteria 13 December 2019. Collection method: clinical testing. Allele origin: germline.
Comment: This variant was observed in the ICSL laboratory as part of a predisposition screen in an ostensibly healthy population. It had not been previously curated by ICSL or reported in the Human Gene Mutation Database (HGMD: prior to June 1st, 2018), and was therefore a candidate for classification through an automated scoring system. Utilizing variant allele frequency, disease prevalence and penetrance estimates, and inheritance mode, an automated score was calculated to assess if this variant is too frequent to cause the disease. Based on the score and internal cut-off values, a variant classified as benign is not then subjected to further curation. The score for this variant resulted in a classification of benign for this disease.